The following is an entry in ClinVar:

ClinVar aggregate classification (germline): Benign/Likely benign. Review status: criteria provided, multiple submitters, no conflicts (2 of 4 stars). 12 submissions from 11 submitters: Benign (7); Likely benign (3). 2 of the submissions do not count toward it. Last evaluated 2026-09-01.

Conditions:
Regional enteritis. Also called: Enteritis, Granulomatous. Identifiers: MedGen C0678202, MeSH D003424.
Blau syndrome (BLAUS). Also called: ARTHROCUTANEOUVEAL GRANULOMATOSIS; GRANULOMATOSIS, FAMILIAL JUVENILE SYSTEMIC; GRANULOMATOSIS, FAMILIAL, BLAU TYPE; GRANULOMATOUS INFLAMMATORY ARTHRITIS, DERMATITIS, AND UVEITIS, FAMILIAL; JABS SYNDROME. Identifiers: Orphanet 90340, MedGen C5201146, MONDO:0008523, OMIM 186580.
Autoinflammatory syndrome. Identifiers: Orphanet 93665, MedGen C3890737, MONDO:0019751.
Inflammatory bowel disease 1 (IBD1). Also called: Inflammatory bowel disease 1, Crohn disease; INFLAMMATORY BOWEL DISEASE (CROHN DISEASE) 1. Identifiers: MedGen CN260071, MONDO:0009960, OMIM 266600.

Allele frequency attached by ClinVar (database versions not stated): 1000 Genomes Project 30x 0.00203; 1000 Genomes Project 0.00260; TOPMed 0.00683; ESP Exome Variant Server 0.00754; gnomAD 0.00803 and 0.00840; gnomAD exomes 0.00967 and 0.01098; ExAC 0.00984.
gnomAD v4.1: 17,265 of 1,614,188 alleles (1.1%); highest among the groups gnomAD compares: Non-Finnish European, 1.2%; 112 homozygotes.

Submissions (12):

CeGaT Center for Human Genetics Tuebingen
Classification: Benign. Last evaluated: 2026-09-01. Review status: criteria provided, single submitter. Criteria: CeGaT Center For Human Genetics Tuebingen Variant Classification Criteria Version 2. Collection method: clinical testing. Allele origin: germline. Affected: yes. Observed: 23 variant alleles.
Comment: NOD2: BP4, BP7, BS1, BS2

Women's Health and Genetics/Laboratory Corporation of America, LabCorp
Classification: Benign. Last evaluated: 2026-03-31. Review status: criteria provided, single submitter. Criteria: LabCorp Variant Classification Summary - May 2015. Collection method: clinical testing. Allele origin: germline.

Labcorp Genetics (formerly Invitae), Labcorp
Classification: Benign for Regional enteritis; Blau syndrome. Last evaluated: 2026-01-28. Review status: criteria provided, single submitter. Criteria: Invitae Variant Classification Sherloc (09022015). Collection method: clinical testing. Allele origin: germline.

ARUP Laboratories, Molecular Genetics and Genomics, ARUP Laboratories
Classification: Benign. Last evaluated: 2025-07-29. Review status: criteria provided, single submitter. Criteria: ARUP Molecular Germline Variant Investigation Process 2024. Collection method: clinical testing. Allele origin: germline.

Blueprint Genetics
Classification: Likely benign. Last evaluated: 2024-11-22. Review status: criteria provided, single submitter. Criteria: ACMG Guidelines, 2015. Collection method: clinical testing. Allele origin: germline.

Mayo Clinic Laboratories, Mayo Clinic
Classification: Benign. Last evaluated: 2024-06-24. Review status: criteria provided, single submitter. Criteria: ACMG Guidelines, 2015. Collection method: clinical testing. Allele origin: germline. Observed: 13 variant alleles.
Comment: BS1, BS2, BP4, BP7

Genome Diagnostics Laboratory, The Hospital for Sick Children
Classification: Benign for Autoinflammatory syndrome. Last evaluated: 2022-02-05. Review status: criteria provided, single submitter. Criteria: ACMG Guidelines, 2015. Collection method: clinical testing. Allele origin: germline. Affected: yes.

Illumina Laboratory Services, Illumina
Classification: Likely benign for Inflammatory bowel disease 1. Last evaluated: 2018-01-13. Review status: criteria provided, single submitter. Criteria: ICSL Variant Classification Criteria 13 December 2019. Collection method: clinical testing. Allele origin: germline.
Comment: This variant was observed in the ICSL laboratory as part of a predisposition screen in an ostensibly healthy population. It had not been previously curated by ICSL or reported in the Human Gene Mutation Database (HGMD: prior to June 1st, 2018), and was therefore a candidate for classification through an automated scoring system. Utilizing variant allele frequency, disease prevalence and penetrance estimates, and inheritance mode, an automated score was calculated to assess if this variant is too frequent to cause the disease. Based on the score and internal cut-off values, a variant classified as likely benign is not then subjected to further curation. The score for this variant resulted in a classification of likely benign for this disease.

Illumina Laboratory Services, Illumina
Classification: Benign for Blau syndrome. Last evaluated: 2018-01-13. Review status: criteria provided, single submitter. Criteria: ICSL Variant Classification Criteria 13 December 2019. Collection method: clinical testing. Allele origin: germline.
Comment: This variant was observed in the ICSL laboratory as part of a predisposition screen in an ostensibly healthy population. It had not been previously curated by ICSL or reported in the Human Gene Mutation Database (HGMD: prior to June 1st, 2018), and was therefore a candidate for classification through an automated scoring system. Utilizing variant allele frequency, disease prevalence and penetrance estimates, and inheritance mode, an automated score was calculated to assess if this variant is too frequent to cause the disease. Based on the score and internal cut-off values, a variant classified as benign is not then subjected to further curation. The score for this variant resulted in a classification of benign for this disease.

Breakthrough Genomics
Classification: Likely benign. Review status: criteria provided, single submitter. Criteria: ACMG Guidelines, 2015. Collection method: not provided. Allele origin: germline. Inheritance: Autosomal dominant inheritance. Affected: yes.

Clinical Genetics DNA and cytogenetics Diagnostics Lab, Erasmus MC, Erasmus Medical Center
Classification: Benign. Review status: no assertion criteria provided. Collection method: clinical testing. Allele origin: germline. Affected: yes. Study: VKGL Data-share Consensus. Not counted in ClinVar's aggregate classification.

Genome Diagnostics Laboratory, University Medical Center Utrecht
Classification: Likely benign. Review status: no assertion criteria provided. Collection method: clinical testing. Allele origin: germline. Affected: yes. Study: VKGL Data-share Consensus. Not counted in ClinVar's aggregate classification.

NM_001370466.1(NOD2):c.1752C>T (p.Ala584=)

Gene: NOD2 (nucleotide binding oligomerization domain containing 2; plus strand). Cytogenetic location: 16q12.1.
Variant type: single nucleotide variant.
Coding change: c.1752C>T on transcript NM_001370466.1 (MANE Select); coding-DNA position 1752, C replaced by T.
Protein change: p.Ala584=; no amino-acid change (alanine 584 retained).
Molecular consequence: synonymous variant. On other transcripts: non-coding transcript variant (1).
Genome position (GRCh38, 1-based): chr16:50,711,744, C>T. VCF-style: chr16-50711744-C-T. GRCh37 (hg19) VCF-style: chr16-50745655-C-T.
Other names: p.Ala611=; c.1833C>T (LRG_177t1); c.1752C>T, p.Ala584= (NM_001293557.2); c.1833C>T, p.Ala611= (NM_022162.3).
Identifiers: ClinVar variation 319451 (VCV000319451.65), dbSNP rs61736932, ClinGen allele CA8051633.
Genomic context (GRCh38, chr16:50,711,744, plus strand): 5'-CGTGCCAGGGAGTACGGCGCCCCTGGAATTCCTTCACATCACTTTCCAGTGCTTCTTTGC[C>T]GCGTTCTACCTGGCACTCAGTGCTGATGTGCCACCAGCTTTGCTCAGACACCTCTTCAAT-3'
Protein context (NP_001357395.1, residues 574-594): FLHITFQCFF[Ala584=]AFYLALSADV